The following is an entry in ClinVar:

NM_001042750.2(STAG2):c.2580G>C (p.Lys860Asn)

Gene: STAG2 (STAG2 cohesin complex component; plus strand). Cytogenetic location: Xq25.
Variant type: single nucleotide variant.
Coding change: c.2580G>C on transcript NM_001042750.2 (MANE Select); coding-DNA position 2580, G replaced by C.
Protein change: p.Lys860Asn; replaces lysine 860 with asparagine.
Molecular consequence: missense variant.
Genome position (GRCh38, 1-based): chrX:124,076,378, G>C. VCF-style: chrX-124076378-G-C. GRCh37 (hg19) VCF-style: chrX-123210228-G-C.
Other names: c.2580G>C, p.Lys860Asn (NM_001375376.1, NM_001375377.1, NM_006603.5 and 13 more transcripts); short protein forms K860N.
Identifiers: ClinVar variation 2874837 (VCV002874837.3), dbSNP rs2522159442, ClinGen allele CA414277959.

ClinVar aggregate classification (germline): Uncertain significance (1 of 4 stars; one submission).

Submission:

Labcorp Genetics (formerly Invitae), Labcorp
Classification: Uncertain significance. Last evaluated: 2023-12-04. Review status: criteria provided, single submitter. Criteria: Invitae Variant Classification Sherloc (09022015). Collection method: clinical testing. Allele origin: germline.
Comment: This sequence change replaces lysine, which is basic and polar, with asparagine, which is neutral and polar, at codon 860 of the STAG2 protein (p.Lys860Asn). This variant is not present in population databases (gnomAD no frequency). This variant has not been reported in the literature in individuals affected with STAG2-related conditions. Advanced modeling of protein sequence and biophysical properties (such as structural, functional, and spatial information, amino acid conservation, physicochemical variation, residue mobility, and thermodynamic stability) performed at Invitae indicates that this missense variant is not expected to disrupt STAG2 protein function with a negative predictive value of 80%. In summary, the available evidence is currently insufficient to determine the role of this variant in disease. Therefore, it has been classified as a Variant of Uncertain Significance.